The following is an entry in ClinVar:

ClinVar aggregate classification (germline): Likely pathogenic (1 of 4 stars; one submission).

Conditions:
Hemochromatosis type 1 (HFE1). Also called: HFE-Associated Hereditary Hemochromatosis; HFE-Related Hemochromatosis. Identifiers: Orphanet 465508, MedGen C3469186, MONDO:0021001, OMIM 235200. Disease mechanism: loss of function.

Submission:

Women's Health and Genetics/Laboratory Corporation of America, LabCorp
Classification: Likely pathogenic for Hemochromatosis type 1. Last evaluated: 2018-07-06. Review status: criteria provided, single submitter. Criteria: LabCorp Variant Classification Summary - May 2015. Collection method: clinical testing. Allele origin: germline.
Comment: Variant summary: HFE c.77-2_78delinsTGGAGTC is an alteration of a canonical splice-site and spanning into the exon2 of coding sequence. This variant is predicted to affect mRNA splicing resulting in a significantly altered protein due to either exon skipping, shortening, or inclusion of intronic material. Several computational tools predict a significant impact on normal splicing: Five predict the variant abolishes a 3 acceptor site. However, these predictions have yet to be confirmed by functional studies. The variant was absent in 276792 control chromosomes. To our knowledge, no occurrence of c.77-2_78delinsTGGAGTC in individuals affected with Hemochromatosis type 1 and no experimental evidence demonstrating its impact on protein function have been reported. No clinical diagnostic laboratories have submitted clinical-significance assessments for this variant to ClinVar after 2014. Based on the evidence outlined above, the variant was classified as likely pathogenic.

NM_000410.4(HFE):c.77-2_78delinsTGGAGTC

Genes: HFE-AS1 (HFE antisense RNA 1; minus strand), HFE (homeostatic iron regulator; plus strand). Cytogenetic location: 6p22.2.
Variant type: Indel.
Coding change: c.77-2_78delinsTGGAGTC on transcript NM_000410.4 (MANE Select); the canonical splice acceptor site of the intron before coding-DNA position 77 through coding-DNA position 78, AGGT replaced by TGGAGTC.
Molecular consequence: splice acceptor variant. On other transcripts: non-coding transcript variant (1), intron variant (6).
Genome position (GRCh38, 1-based): chr6:26,090,839-26,090,842, AGGT replaced by TGGAGTC. VCF-style: chr6-26090839-AGGT-TGGAGTC. GRCh37 (hg19) VCF-style: chr6-26091067-AGGT-TGGAGTC.
Other names: c.77-2_78delinsTGGAGTC (NM_001406751.1, NM_001384164.1, NM_001300749.3 and 3 more transcripts); c.77-71_77-68delinsTGGAGTC (NM_139009.3); c.77-475_77-472delinsTGGAGTC (NM_139007.3, NM_001406752.1, NM_139008.3); c.77-1846_77-1843delinsTGGAGTC (NM_139010.3); c.77-2280_77-2277delinsTGGAGTC (NM_139011.3).
Identifiers: ClinVar variation 633265 (VCV000633265.3), dbSNP rs1561939338, ClinGen allele CA913190205.